The following is an entry in ClinVar:

NM_014244.5(ADAMTS2):c.599C>T (p.Ala200Val)

Gene: ADAMTS2 (ADAM metallopeptidase with thrombospondin type 1 motif 2; minus strand). Cytogenetic location: 5q35.3.
Variant type: single nucleotide variant.
Coding change: c.599C>T on transcript NM_014244.5 (MANE Select); coding-DNA position 599, C replaced by T.
Protein change: p.Ala200Val; replaces alanine 200 with valine.
Molecular consequence: missense variant.
Genome position (GRCh38, 1-based): chr5:179,273,000, G>A on the plus strand (C>T on the coding strand, the complement: ADAMTS2 is on the minus strand). VCF-style: chr5-179273000-G-A. GRCh37 (hg19) VCF-style: chr5-178700001-G-A.
Other names: c.599C>T, p.Ala200Val (NM_021599.4); short protein forms A200V.
Identifiers: ClinVar variation 658747 (VCV000658747.9), dbSNP rs749842975, ClinGen allele CA3596258.

ClinVar aggregate classification (germline): Uncertain significance. Review status: criteria provided, multiple submitters, no conflicts (2 of 4 stars). 3 submissions from 3 submitters: Uncertain significance (2). 1 of the submissions does not count toward it. Last evaluated 2025-10-09.

Conditions:
Ehlers-Danlos syndrome, dermatosparaxis type. Also called: Dermatosparaxis; EDS VIIC; Ehlers-Danlos syndrome, type VII, autosomal recessive. Identifiers: Orphanet 1901, MedGen C2700425, MONDO:0009161, OMIM 225410.

Allele frequency attached by ClinVar (database versions not stated): ExAC 0.00002; gnomAD exomes 0.00002; gnomAD 0.00004 and 0.00005; TOPMed 0.00005.
gnomAD v4.1: 39 of 1,613,112 alleles (0.0024%); highest among the groups gnomAD compares: Middle Eastern, 0.016%; no homozygotes.

Submissions (3):

Labcorp Genetics (formerly Invitae), Labcorp
Classification: Uncertain significance for Ehlers-Danlos syndrome, dermatosparaxis type. Last evaluated: 2025-10-09. Review status: criteria provided, single submitter. Criteria: Invitae Variant Classification Sherloc (09022015). Collection method: clinical testing. Allele origin: germline.
Comment: This sequence change replaces alanine, which is neutral and non-polar, with valine, which is neutral and non-polar, at codon 200 of the ADAMTS2 protein (p.Ala200Val). This variant is present in population databases (rs749842975, gnomAD 0.005%). This variant has not been reported in the literature in individuals affected with ADAMTS2-related conditions. ClinVar contains an entry for this variant (Variation ID: 658747). An algorithm developed to predict the effect of missense changes on protein structure and function (PolyPhen-2) suggests that this variant is likely to be tolerated. In summary, the available evidence is currently insufficient to determine the role of this variant in disease. Therefore, it has been classified as a Variant of Uncertain Significance.

GeneDx
Classification: Uncertain significance. Last evaluated: 2019-06-25. Review status: criteria provided, single submitter. Criteria: GeneDx Variant Classification Process June 2021. Collection method: clinical testing. Allele origin: germline. Affected: yes.
Comment: Not observed at a significant frequency in large population cohorts (Lek et al., 2016); In silico analysis, which includes protein predictors and evolutionary conservation, supports that this variant does not alter protein structure/function; Has not been previously published as pathogenic or benign to our knowledge

Natera, Inc.
Classification: Uncertain significance for Ehlers-Danlos syndrome type VIIC. Last evaluated: 2020-04-20. Review status: no assertion criteria provided. Collection method: clinical testing. Allele origin: germline. Not counted in ClinVar's aggregate classification.